The following is an entry in ClinVar:

NM_000080.4(CHRNE):c.398G>A (p.Gly133Asp)

Genes: C17orf107 (chromosome 17 open reading frame 107; plus strand), CHRNE (cholinergic receptor nicotinic epsilon subunit; minus strand). Cytogenetic location: 17p13.2.
Variant type: single nucleotide variant.
Coding change: c.398G>A on transcript NM_000080.4 (MANE Select); coding-DNA position 398, G replaced by A.
Protein change: p.Gly133Asp; replaces glycine 133 with aspartic acid.
Molecular consequence: missense variant. On other transcripts: 3 prime UTR variant (1).
Genome position (GRCh38, 1-based): chr17:4,902,034, C>T on the plus strand (G>A on the coding strand, the complement: CHRNE is on the minus strand). VCF-style: chr17-4902034-C-T. GRCh37 (hg19) VCF-style: chr17-4805329-C-T.
Other names: c.*1501C>T (NM_001145536.2); short protein forms G133D.
Identifiers: ClinVar variation 1939485 (VCV001939485.2), dbSNP rs2507560460, ClinGen allele CA397306272.

ClinVar aggregate classification (germline): Uncertain significance (1 of 4 stars; one submission).

Conditions:
Congenital myasthenic syndrome 4A. Also called: Myasthenic syndrome, congenital, 4a, slow-channel; CONGENITAL MYASTHENIC SYNDROME TYPE Ia1; MYASTHENIC SYNDROME, CONGENITAL, 4A, SLOW-CHANNEL, AUTOSOMAL RECESSIVE. Identifiers: Orphanet 590, MedGen C4225413, MONDO:0011600, OMIM 605809.

Submission:

Labcorp Genetics (formerly Invitae), Labcorp
Classification: Uncertain significance for Congenital myasthenic syndrome 4A. Last evaluated: 2021-08-26. Review status: criteria provided, single submitter. Criteria: Invitae Variant Classification Sherloc (09022015). Collection method: clinical testing. Allele origin: germline.
Comment: This sequence change replaces glycine with aspartic acid at codon 133 of the CHRNE protein (p.Gly133Asp). The glycine residue is weakly conserved and there is a moderate physicochemical difference between glycine and aspartic acid. This variant is not present in population databases (ExAC no frequency). This variant has not been reported in the literature in individuals affected with CHRNE-related conditions. Advanced modeling of protein sequence and biophysical properties (such as structural, functional, and spatial information, amino acid conservation, physicochemical variation, residue mobility, and thermodynamic stability) performed at Invitae indicates that this missense variant is not expected to disrupt CHRNE protein function. In summary, the available evidence is currently insufficient to determine the role of this variant in disease. Therefore, it has been classified as a Variant of Uncertain Significance.